The following is an entry in ClinVar:

ClinVar aggregate classification (germline): Uncertain significance. Review status: criteria provided, multiple submitters, no conflicts (2 of 4 stars). 2 submissions from 2 submitters: Uncertain significance (2). Last evaluated 2025-09-24.

Conditions:
Developmental and epileptic encephalopathy, 1 (DEE1). Also called: X-linked infantile spasms; West's syndrome; Tonic spasms with clustering, arrest of psychomotor development and hypsarrhythmia on EEG; X-Linked Infantile Spasm Syndrome; OHTAHARA SYNDROME, X-LINKED; Epileptic encephalopathy, early infantile, 1. Identifiers: MedGen C3463992, MONDO:0010632, OMIM 308350. Disease mechanism: loss of function.
Autosomal dominant nonsyndromic hearing loss 65. Also called: Deafness, autosomal dominant 65; TBC1D24-Related Autosomal Dominant Nonsyndromic Hearing Loss (DFNA). Identifiers: Orphanet 90635, MedGen C3892048, MONDO:0014470, OMIM 616044.
Developmental and epileptic encephalopathy, 16 (DEE16). Also called: Early infantile epileptic encephalopathy 16; TBC1D24-Related Developmental and Epileptic Encephalopathy (DEE). Identifiers: Orphanet 293181, Orphanet 352596, MedGen C3809173, MONDO:0014133, OMIM 615338.

Submissions (2):

Genesolutions, Medical Genetics Institutes, Ho Chi Minh City, Vietnam
Classification: Uncertain significance for Developmental and epileptic encephalopathy, 16. Last evaluated: 2025-09-24. Review status: criteria provided, single submitter. Criteria: ACMG Guidelines, 2015. Collection method: clinical testing. Allele origin: germline. Affected: yes.

Labcorp Genetics (formerly Invitae), Labcorp
Classification: Uncertain significance for Developmental and epileptic encephalopathy, 1; Autosomal dominant nonsyndromic hearing loss 65. Last evaluated: 2022-02-10. Review status: criteria provided, single submitter. Criteria: Invitae Variant Classification Sherloc (09022015). Collection method: clinical testing. Allele origin: germline.
Comment: This variant, c.820_822del, results in the deletion of 1 amino acid(s) of the TBC1D24 protein (p.Arg274del), but otherwise preserves the integrity of the reading frame. In summary, the available evidence is currently insufficient to determine the role of this variant in disease. Therefore, it has been classified as a Variant of Uncertain Significance. Experimental studies and prediction algorithms are not available or were not evaluated, and the functional significance of this variant is currently unknown. ClinVar contains an entry for this variant (Variation ID: 1060035). This variant has not been reported in the literature in individuals affected with TBC1D24-related conditions. This variant is not present in population databases (gnomAD no frequency).

NM_001199107.2(TBC1D24):c.820_822del (p.Arg274del)

Gene: TBC1D24 (TBC1 domain family member 24; plus strand). Cytogenetic location: 16p13.3.
Variant type: Deletion.
Coding change: c.820_822del on transcript NM_001199107.2 (MANE Select); coding-DNA positions 820 to 822, 3 bases deleted (AGA; older notation c.820_822delAGA).
Protein change: p.Arg274del; deletes arginine 274.
Molecular consequence: inframe deletion.
Genome position (GRCh38, 1-based): chr16:2,496,968-2,496,970, AGA deleted. VCF-style (leftmost placement, unchanged base first): chr16-2496967-CAGA-C. GRCh37 (hg19) VCF-style: chr16-2546968-CAGA-C.
Other names: c.820_822del, p.Arg274del (NM_020705.3); short protein forms R274del.
Identifiers: ClinVar variation 1060035 (VCV001060035.9), dbSNP rs2141872549, ClinGen allele CA2499223460.